The following is an entry in ClinVar:

NM_001366385.1(CARD14):c.941C>A (p.Ala314Asp)

Gene: CARD14 (caspase recruitment domain family member 14; plus strand). Cytogenetic location: 17q25.3.
Variant type: single nucleotide variant.
Coding change: c.941C>A on transcript NM_001366385.1 (MANE Select); coding-DNA position 941, C replaced by A.
Protein change: p.Ala314Asp; replaces alanine 314 with aspartic acid.
Molecular consequence: missense variant. On other transcripts: non-coding transcript variant (1).
Genome position (GRCh38, 1-based): chr17:80,189,850, C>A. VCF-style: chr17-80189850-C-A. GRCh37 (hg19) VCF-style: chr17-78163649-C-A.
Other names: c.941C>A, p.Ala314Asp (NM_001257970.1, NM_024110.4); c.230C>A, p.Ala77Asp (NM_052819.3); short protein forms A314D, A77D.
Identifiers: ClinVar variation 2943396 (VCV002943396.3), dbSNP rs772395068, ClinGen allele CA8816585.

ClinVar aggregate classification (germline): Uncertain significance (1 of 4 stars; one submission).

Conditions:
Psoriasis 2. Identifiers: MedGen C1864497, MONDO:0011269, OMIM 602723.
Pityriasis rubra pilaris (PRP). Also called: Pityriasis rubra pilaris--familial type. Identifiers: Orphanet 2897, MedGen C0032027, MONDO:0100017, OMIM 173200, MONDO:0008251.

Allele frequency attached by ClinVar (database versions not stated): gnomAD exomes below 0.00001; TOPMed below 0.00001; ExAC 0.00001.

Submission:

Labcorp Genetics (formerly Invitae), Labcorp
Classification: Uncertain significance for Pityriasis rubra pilaris; Psoriasis 2. Last evaluated: 2025-12-01. Review status: criteria provided, single submitter. Criteria: Invitae Variant Classification Sherloc (09022015). Collection method: clinical testing. Allele origin: germline.
Comment: This sequence change replaces alanine, which is neutral and non-polar, with aspartic acid, which is acidic and polar, at codon 314 of the CARD14 protein (p.Ala314Asp). This variant is present in population databases (rs772395068, gnomAD 0.001%). This variant has not been reported in the literature in individuals affected with CARD14-related conditions. ClinVar contains an entry for this variant (Variation ID: 2943396). Invitae Evidence Modeling of protein sequence and biophysical properties (such as structural, functional, and spatial information, amino acid conservation, physicochemical variation, residue mobility, and thermodynamic stability) indicates that this missense variant is not expected to disrupt CARD14 protein function with a negative predictive value of 95%. In summary, the available evidence is currently insufficient to determine the role of this variant in disease. Therefore, it has been classified as a Variant of Uncertain Significance.